The following is an entry in ClinVar:

ClinVar aggregate classification (germline): Uncertain significance (1 of 4 stars; one submission).

Conditions:
NIK deficiency. Also called: Primary immunodeficiency with multifaceted aberrant lymphoid immunity. Identifiers: Orphanet 447731, MedGen C5680065, MONDO:0018642.

gnomAD v4.1: 4 of 1,614,026 alleles (0.00025%); highest among the groups gnomAD compares: Non-Finnish European, 0.00034%; no homozygotes.

Submission:

Labcorp Genetics (formerly Invitae), Labcorp
Classification: Uncertain significance for NIK deficiency. Last evaluated: 2024-03-09. Review status: criteria provided, single submitter. Criteria: Invitae Variant Classification Sherloc (09022015). Collection method: clinical testing. Allele origin: germline.
Comment: This sequence change replaces leucine, which is neutral and non-polar, with tryptophan, which is neutral and slightly polar, at codon 233 of the MAP3K14 protein (p.Leu233Trp). This variant is not present in population databases (gnomAD no frequency). This variant has not been reported in the literature in individuals affected with MAP3K14-related conditions. Experimental studies and prediction algorithms are not available or were not evaluated, and the functional significance of this variant is currently unknown. In summary, the available evidence is currently insufficient to determine the role of this variant in disease. Therefore, it has been classified as a Variant of Uncertain Significance.

NM_003954.5(MAP3K14):c.698T>G (p.Leu233Trp)

Gene: MAP3K14 (mitogen-activated protein kinase kinase kinase 14; minus strand). Cytogenetic location: 17q21.31.
Variant type: single nucleotide variant.
Coding change: c.698T>G on transcript NM_003954.5 (MANE Select); coding-DNA position 698, T replaced by G.
Protein change: p.Leu233Trp; replaces leucine 233 with tryptophan.
Molecular consequence: missense variant.
Genome position (GRCh38, 1-based): chr17:45,286,885, A>C on the plus strand (T>G on the coding strand, the complement: MAP3K14 is on the minus strand). VCF-style: chr17-45286885-A-C. GRCh37 (hg19) VCF-style: chr17-43364252-A-C.
Other names: short protein forms L233W.
Identifiers: ClinVar variation 3683569 (VCV003683569.2).